The following is an entry in ClinVar:

NM_002150.3(HPD):c.543C>T (p.Ile181=)

Genes: HPD (4-hydroxyphenylpyruvate dioxygenase; minus strand), TIALD (transcript inducer of AURKA lysosomal degradation; plus strand). Cytogenetic location: 12q24.31.
Variant type: single nucleotide variant.
Coding change: c.543C>T on transcript NM_002150.3 (MANE Select); coding-DNA position 543, C replaced by T.
Protein change: p.Ile181=; no amino-acid change (isoleucine 181 retained).
Molecular consequence: synonymous variant.
Genome position (GRCh38, 1-based): chr12:121,849,052, G>A on the plus strand (C>T on the coding strand, the complement: HPD is on the minus strand). VCF-style: chr12-121849052-G-A. GRCh37 (hg19) VCF-style: chr12-122286958-G-A.
Other names: c.426C>T, p.Ile142= (NM_001171993.2).
Identifiers: ClinVar variation 882618 (VCV000882618.8), dbSNP rs756242095, ClinGen allele CA6839617.

ClinVar aggregate classification (germline): Conflicting classifications of pathogenicity. Review status: criteria provided, conflicting classifications (1 of 4 stars). 3 submissions from 2 submitters: Uncertain significance (1); Benign (1); Likely benign (1). Last evaluated 2026-01-20.

Conditions:
Hawkinsinuria. Identifiers: Orphanet 2118, MedGen C2931042, MONDO:0007700, OMIM 140350, HP:0034457.
Tyrosinemia type III. Also called: Tyrosinemia type 3; 4-alpha hydroxyphenylpyruvic acid oxidase deficiency; 4-alpha hydroxyphenylpyruvate dioxygenase deficiency; 4-Hydroxyphenylpyruvate dioxygenase deficiency; 4-HYDROXYPHENYLPYRUVIC ACID OXIDASE DEFICIENCY. Identifiers: Orphanet 69723, MedGen C0268623, MONDO:0010162, OMIM 276710.

Allele frequency attached by ClinVar (database versions not stated): TOPMed 0.00005.
gnomAD v4.1: 31 of 1,613,784 alleles (0.0019%); highest among the groups gnomAD compares: African/African-American, 0.004%; no homozygotes.

Submissions (3):

Labcorp Genetics (formerly Invitae), Labcorp
Classification: Likely benign for Tyrosinemia type III; Hawkinsinuria. Last evaluated: 2026-01-20. Review status: criteria provided, single submitter. Criteria: Invitae Variant Classification Sherloc (09022015). Collection method: clinical testing. Allele origin: germline.

Illumina Laboratory Services, Illumina
Classification: Uncertain significance for Tyrosinemia type III. Last evaluated: 2017-04-27. Review status: criteria provided, single submitter. Criteria: ICSL Variant Classification Criteria 13 December 2019. Collection method: clinical testing. Allele origin: germline.

Illumina Laboratory Services, Illumina
Classification: Benign for Hawkinsinuria. Last evaluated: 2017-04-27. Review status: criteria provided, single submitter. Criteria: ICSL Variant Classification Criteria 13 December 2019. Collection method: clinical testing. Allele origin: germline.
Comment: This variant was observed as part of a predisposition screen in an ostensibly healthy population. A literature search was performed for the gene, cDNA change, and amino acid change (where applicable). No publications were found based on this search. Allele frequency data from public databases was too high to be consistent with this variant causing disease. Therefore, this variant is classified as benign.